The following is an entry in ClinVar:

NC_000003.12:g.(?_58428014)_(58431813_?)del

Genes: PDHB (pyruvate dehydrogenase E1 subunit beta; minus strand), LOC129936948 (ATAC-STARR-seq lymphoblastoid active region 20011; plus strand). Cytogenetic location: 3p14.3.
Variant type: Deletion.
Identifiers: ClinVar variation 653525 (VCV000653525.6).

ClinVar aggregate classification (germline): Uncertain significance (1 of 4 stars; one submission).

Conditions:
Pyruvate dehydrogenase E1-beta deficiency (PDHBD). Identifiers: Orphanet 255138, Orphanet 765, MedGen C3279841, MONDO:0013580, OMIM 614111.

Submission:

Labcorp Genetics (formerly Invitae), Labcorp
Classification: Uncertain significance for Pyruvate dehydrogenase E1-beta deficiency. Last evaluated: 2018-07-02. Review status: criteria provided, single submitter. Criteria: Invitae Variant Classification Sherloc (09022015). Collection method: clinical testing. Allele origin: germline.
Comment: The current clinical and genetic evidence is not sufficient to establish whether loss-of-function variants in PDHB cause disease. In summary, the available evidence is currently insufficient to determine the role of this variant in disease. Therefore, it has been classified as a Variant of Uncertain Significance. This variant has not been reported in the literature in individuals with PDHB-related disease. This variant is a gross deletion of the genomic region encompassing exons 4-10 of the PDHB gene. The 5' boundary is likely confined to intron 4. The 3' end of this event is unknown as it extends through the termination codon beyond the assayed region for this gene and may encompass additional genes. While this deletion is not anticipated to result in nonsense mediated decay, it is expected to create a truncated protein product or disrupt mRNA translation.